The following is an entry in ClinVar:

ClinVar aggregate classification (germline): Uncertain significance (1 of 4 stars; one submission).

Submission:

Mayo Clinic Laboratories, Mayo Clinic
Classification: Uncertain significance. Last evaluated: 2023-08-07. Review status: criteria provided, single submitter. Criteria: ACMG Guidelines, 2015. Collection method: clinical testing. Allele origin: germline. Observed: 1 variant allele.
Comment: BP4, PM2_moderate

NM_001098816.3(TENM4):c.6144T>A (p.Asn2048Lys)

Gene: TENM4 (teneurin transmembrane protein 4; minus strand). Cytogenetic location: 11q14.1.
Variant type: single nucleotide variant.
Coding change: c.6144T>A on transcript NM_001098816.3 (MANE Select); coding-DNA position 6144, T replaced by A.
Protein change: p.Asn2048Lys; replaces asparagine 2048 with lysine.
Molecular consequence: missense variant.
Genome position (GRCh38, 1-based): chr11:78,670,201, A>T on the plus strand (T>A on the coding strand, the complement: TENM4 is on the minus strand). VCF-style: chr11-78670201-A-T. GRCh37 (hg19) VCF-style: chr11-78381246-A-T.
Other names: p.Asn2048Lys; short protein forms N2048K.
Identifiers: ClinVar variation 3380044 (VCV003380044.1).